The following is an entry in ClinVar:

NM_033004.4(NLRP1):c.3110T>C (p.Ile1037Thr)

Gene: NLRP1 (NLR family pyrin domain containing 1; minus strand). Cytogenetic location: 17p13.2.
Variant type: single nucleotide variant.
Coding change: c.3110T>C on transcript NM_033004.4 (MANE Select); coding-DNA position 3110, T replaced by C.
Protein change: p.Ile1037Thr; replaces isoleucine 1037 with threonine.
Molecular consequence: missense variant.
Genome position (GRCh38, 1-based): chr17:5,533,327, A>G on the plus strand (T>C on the coding strand, the complement: NLRP1 is on the minus strand). VCF-style: chr17-5533327-A-G. GRCh37 (hg19) VCF-style: chr17-5436647-A-G.
Other names: c.3110T>C, p.Ile1037Thr (NM_001033053.3, NM_014922.5); c.3020T>C, p.Ile1007Thr (NM_033006.4, NM_033007.4); short protein forms I1007T, I1037T.
Identifiers: ClinVar variation 2105578 (VCV002105578.4), dbSNP rs1910563993, ClinGen allele CA397391853.

ClinVar aggregate classification (germline): Uncertain significance (1 of 4 stars; one submission).

Allele frequency attached by ClinVar (database versions not stated): TOPMed below 0.00001.

Submission:

Labcorp Genetics (formerly Invitae), Labcorp
Classification: Uncertain significance. Last evaluated: 2022-07-01. Review status: criteria provided, single submitter. Criteria: Invitae Variant Classification Sherloc (09022015). Collection method: clinical testing. Allele origin: germline.
Comment: This variant has not been reported in the literature in individuals affected with NLRP1-related conditions. This variant is not present in population databases (gnomAD no frequency). This sequence change replaces isoleucine, which is neutral and non-polar, with threonine, which is neutral and polar, at codon 1037 of the NLRP1 protein (p.Ile1037Thr). Algorithms developed to predict the effect of missense changes on protein structure and function (SIFT, PolyPhen-2, Align-GVGD) all suggest that this variant is likely to be tolerated. In summary, the available evidence is currently insufficient to determine the role of this variant in disease. Therefore, it has been classified as a Variant of Uncertain Significance.